The following is an entry in ClinVar:

ClinVar aggregate classification (germline): Pathogenic (1 of 4 stars; one submission).

Conditions:
LAMA2-related muscular dystrophy (LAMA2-RD). Also called: Laminin alpha 2-related dystrophy. Identifiers: MedGen C5679788, MONDO:0100228.

Submission:

Labcorp Genetics (formerly Invitae), Labcorp
Classification: Pathogenic for LAMA2-related muscular dystrophy. Last evaluated: 2021-04-30. Review status: criteria provided, single submitter. Criteria: Invitae Variant Classification Sherloc (09022015). Collection method: clinical testing. Allele origin: germline.
Comment: For these reasons, this variant has been classified as Pathogenic. This variant has not been reported in the literature in individuals with LAMA2-related conditions. This variant is not present in population databases (ExAC no frequency). This sequence change creates a premature translational stop signal (p.Asn2457Thrfs*6) in the LAMA2 gene. It is expected to result in an absent or disrupted protein product. Loss-of-function variants in LAMA2 are known to be pathogenic (PMID: 18700894).

Literature cited by the submitters: PubMed 18700894.

NM_000426.4(LAMA2):c.7370del (p.Asn2457fs)

Gene: LAMA2 (laminin subunit alpha 2; plus strand). Cytogenetic location: 6q22.33.
Variant type: Deletion.
Coding change: c.7370del on transcript NM_000426.4 (MANE Select); coding-DNA position 7370, one base deleted (A; older notation c.7370delA).
Protein change: p.Asn2457fs; shifts the reading frame from asparagine 2457.
Molecular consequence: frameshift variant.
Genome position (GRCh38, 1-based): chr6:129,473,283, A deleted; the last of 2 consecutive A bases (chr6:129,473,282-129,473,283); deleting either gives the same sequence. VCF-style (leftmost placement, unchanged base first): chr6-129473281-CA-C. GRCh37 (hg19) VCF-style: chr6-129794426-CA-C.
Other names: c.7370del, p.Asn2457fs (NM_001079823.2); short protein forms N2457fs.
Identifiers: ClinVar variation 1355415 (VCV001355415.6), dbSNP rs2114823738, ClinGen allele CA2573140492.